The following is an entry in ClinVar:

NM_138702.1(MAGEC3):c.475G>A (p.Val159Ile)

Gene: MAGEC3 (MAGE family member C3; plus strand). Cytogenetic location: Xq27.2.
Variant type: single nucleotide variant.
Coding change: c.475G>A on transcript NM_138702.1 (MANE Select); coding-DNA position 475, G replaced by A.
Protein change: p.Val159Ile; replaces valine 159 with isoleucine.
Molecular consequence: missense variant.
Genome position (GRCh38, 1-based): chrX:141,879,391, G>A. VCF-style: chrX-141879391-G-A. GRCh37 (hg19) VCF-style: chrX-140967177-G-A.
Other names: short protein forms V159I.
Identifiers: ClinVar variation 2661552 (VCV002661552.24), dbSNP rs769815854, ClinGen allele CA10532552.
Genomic context (GRCh38, chrX:141,879,391, plus strand): 5'-AAGGACAGTGACCTTCCAACATGGAGGAGAGGCACAGGCTACACCCTTTCCCTTCCTGCC[G>A]TCAGCCCTGGAAAAAGGTTGTGGGGGGAGAAAGCGGGGAGGTGGGCAGGGAAATATGGAC-3'
Protein context (NP_619647.1, residues 149-169): GTGYTLSLPA[Val159Ile]SPGKRLWGEK

ClinVar aggregate classification (germline): Likely benign (1 of 4 stars; one submission).

Allele frequency attached by ClinVar (database versions not stated): ExAC 0.00003; gnomAD exomes 0.00004; TOPMed 0.00015; gnomAD 0.00016.
gnomAD v4.1: 62 of 1,185,519 alleles (0.0052%); highest among the groups gnomAD compares: Admixed American, 0.067%; no homozygotes.

Submission:

CeGaT Center for Human Genetics Tuebingen
Classification: Likely benign. Last evaluated: 2023-02-01. Review status: criteria provided, single submitter. Criteria: CeGaT Center For Human Genetics Tuebingen Variant Classification Criteria Version 2. Collection method: clinical testing. Allele origin: germline. Affected: yes. Observed: 1 variant allele.
Comment: MAGEC3: BP4, BS2